The following is an entry in ClinVar:

ClinVar aggregate classification (germline): Conflicting classifications of pathogenicity. Review status: criteria provided, conflicting classifications (1 of 4 stars). 2 submissions from 2 submitters: Uncertain significance (1); Likely benign (1). Last evaluated 2024-04-25.

Conditions:
Hereditary nonpolyposis colorectal neoplasms. Identifiers: MedGen C0009405, MeSH D003123.
Hereditary cancer-predisposing syndrome. Also called: Hereditary Cancer Syndrome; Neoplastic Syndromes, Hereditary; Tumor predisposition; Hereditary neoplastic syndrome. Identifiers: Orphanet 140162, MedGen C0027672, MeSH D009386, MONDO:0015356.

Submissions (2):

Ambry Genetics
Classification: Likely benign for Hereditary cancer-predisposing syndrome. Last evaluated: 2024-04-25. Review status: criteria provided, single submitter. Criteria: Ambry Variant Classification Scheme 2023. Collection method: clinical testing. Allele origin: germline.

Labcorp Genetics (formerly Invitae), Labcorp
Classification: Uncertain significance for Hereditary nonpolyposis colorectal neoplasms. Last evaluated: 2022-02-03. Review status: criteria provided, single submitter. Criteria: Invitae Variant Classification Sherloc (09022015). Collection method: clinical testing. Allele origin: germline.
Comment: This sequence change replaces serine, which is neutral and polar, with asparagine, which is neutral and polar, at codon 167 of the MSH6 protein (p.Ser167Asn). This variant is not present in population databases (gnomAD no frequency). This variant has not been reported in the literature in individuals affected with MSH6-related conditions. Advanced modeling of protein sequence and biophysical properties (such as structural, functional, and spatial information, amino acid conservation, physicochemical variation, residue mobility, and thermodynamic stability) performed at Invitae indicates that this missense variant is not expected to disrupt MSH6 protein function. In summary, the available evidence is currently insufficient to determine the role of this variant in disease. Therefore, it has been classified as a Variant of Uncertain Significance.

NM_000179.3(MSH6):c.500G>A (p.Ser167Asn)

Gene: MSH6 (mutS homolog 6; plus strand). Cytogenetic location: 2p16.3.
Variant type: single nucleotide variant.
Coding change: c.500G>A on transcript NM_000179.3 (MANE Select); coding-DNA position 500, G replaced by A.
Protein change: p.Ser167Asn; replaces serine 167 with asparagine.
Molecular consequence: missense variant. On other transcripts: 5 prime UTR variant (1), intron variant (2).
Genome position (GRCh38, 1-based): chr2:47,795,936, G>A. VCF-style: chr2-47795936-G-A. GRCh37 (hg19) VCF-style: chr2-48023075-G-A.
Other names: c.-403G>A (NM_001281494.2); c.596G>A, p.Ser199Asn (NM_001406795.1, NM_001406802.1); c.500G>A, p.Ser167Asn (NM_001406796.1, NM_001406798.1, NM_001406800.1 and 5 more transcripts); c.203G>A, p.Ser68Asn (NM_001406797.1, NM_001406801.1, NM_001406805.1 and 10 more transcripts); c.-26G>A (NM_001406799.1, NM_001406806.1, NM_001406807.1); c.422G>A, p.Ser141Asn (NM_001406804.1); c.506G>A, p.Ser169Asn (NM_001406813.1); c.-495G>A (NM_001406814.1); and 3 more; short protein forms S111N, S68N, S141N, S167N, S199N, S169N.
Identifiers: ClinVar variation 1744755 (VCV001744755.8), dbSNP rs1669056436, ClinGen allele CA346738645.